The following is an entry in ClinVar:

ClinVar aggregate classification (germline): Uncertain significance. Review status: criteria provided, multiple submitters, no conflicts (2 of 4 stars). 2 submissions from 2 submitters: Uncertain significance (2). Last evaluated 2025-10-03.

Conditions:
Autosomal recessive limb-girdle muscular dystrophy type 2J (LGMDR10). Also called: Limb-girdle muscular dystrophy, type 2J; MUSCULAR DYSTROPHY, LIMB-GIRDLE, AUTOSOMAL RECESSIVE 10. Identifiers: Orphanet 140922, MedGen C1837342, MONDO:0012127, OMIM 608807.
Dilated cardiomyopathy 1G (CMD1G). Identifiers: Orphanet 154, MedGen C1858763, MONDO:0011400, OMIM 604145.

Allele frequency attached by ClinVar (database versions not stated): gnomAD exomes below 0.00001 and 0.00001; ExAC 0.00001; TOPMed 0.00002; gnomAD 0.00004.
gnomAD v4.1: 9 of 1,613,302 alleles (0.00056%); highest among the groups gnomAD compares: Admixed American, 0.0083%; no homozygotes.

Submissions (2):

Women's Health and Genetics/Laboratory Corporation of America, LabCorp
Classification: Uncertain significance. Last evaluated: 2025-10-03. Review status: criteria provided, single submitter. Criteria: LabCorp Variant Classification Summary - May 2015. Collection method: clinical testing. Allele origin: germline.
Comment: Variant summary: TTN c.65588A>T (p.Asp21863Val) results in a non-conservative amino acid change in the encoded protein sequence. Algorithms developed to predict the effect of missense changes on protein structure and function all suggest that this variant is likely to be disruptive. The variant allele was found at a frequency of 8.1e-06 in 248062 control chromosomes. The available data on variant occurrences in the general population are insufficient to allow any conclusion about variant significance. To our knowledge, no occurrence of c.65588A>T in individuals affected with TTN-related conditions and no experimental evidence demonstrating its impact on protein function have been reported. ClinVar contains an entry for this variant (Variation ID: 467455). Based on the evidence outlined above, the variant was classified as uncertain significance.

Labcorp Genetics (formerly Invitae), Labcorp
Classification: Uncertain significance for Dilated cardiomyopathy 1G; Autosomal recessive limb-girdle muscular dystrophy type 2J. Last evaluated: 2017-02-10. Review status: criteria provided, single submitter. Criteria: Invitae Variant Classification Sherloc (09022015). Collection method: clinical testing. Allele origin: germline.

NM_001267550.2(TTN):c.73292A>T (p.Asp24431Val)

Genes: TTN-AS1 (TTN antisense RNA 1; plus strand), TTN (titin; minus strand). Cytogenetic location: 2q31.2.
Variant type: single nucleotide variant.
Coding change: c.73292A>T on transcript NM_001267550.2 (MANE Select); coding-DNA position 73292, A replaced by T.
Protein change: p.Asp24431Val; replaces aspartic acid 24431 with valine.
Molecular consequence: missense variant.
Genome position (GRCh38, 1-based): chr2:178,572,840, T>A on the plus strand (A>T on the coding strand, the complement: TTN is on the minus strand). VCF-style: chr2-178572840-T-A. GRCh37 (hg19) VCF-style: chr2-179437567-T-A.
Other names: c.68369A>T, p.Asp22790Val (NM_001256850.1); c.46097A>T, p.Asp15366Val (NM_003319.4); c.65588A>T, p.Asp21863Val (NM_133378.4); c.46472A>T, p.Asp15491Val (NM_133432.3); c.46673A>T, p.Asp15558Val (NM_133437.4); short protein forms D24431V, D15558V, D15491V, D21863V, D22790V, D15366V.
Identifiers: ClinVar variation 467455 (VCV000467455.4), dbSNP rs754343858, ClinGen allele CA1990389.
Genomic context (GRCh38, chr2:178,572,840, plus strand): 5'-GGAACAAAAAGTCTCAGGGTGCAGCAGGCCCTTATAGTAACAACTTTGCGCAGGTCAGCA[T>A]CCAGTTCAATTTCTGGAGGCAGCATTCTGTCTTCAGCCTTTGGAGTTCCAGGAACAAGGG-3'
Protein context (NP_001254479.2, residues 24421-24441): DRMLPPEIEL[Asp24431Val]ADLRKVVTIR